The following is an entry in ClinVar:

ClinVar aggregate classification (germline): Benign/Likely benign. Review status: criteria provided, multiple submitters, no conflicts (2 of 4 stars). 3 submissions from 3 submitters: Benign (1); Likely benign (2). Last evaluated 2025-07-22.

Conditions:
Hereditary cancer-predisposing syndrome. Also called: Tumor predisposition; Neoplastic Syndromes, Hereditary; Hereditary Cancer Syndrome; Hereditary neoplastic syndrome. Identifiers: Orphanet 140162, MedGen C0027672, MeSH D009386, MONDO:0015356.
Familial cancer of breast. Also called: BREAST CANCER, FAMILIAL; Hereditary breast cancer; hereditary breast carcinoma. Identifiers: Orphanet 227535, MedGen C0346153, MONDO:0016419, OMIM 114480. Disease mechanism: loss of function.
Fanconi anemia complementation group J. Also called: BRIP1-Related Fanconi Anemia. Identifiers: Orphanet 84, MedGen C1836860, MONDO:0012187, OMIM 609054.

Submissions (3):

Labcorp Genetics (formerly Invitae), Labcorp
Classification: Likely benign for Familial cancer of breast; Fanconi anemia complementation group J. Last evaluated: 2025-07-22. Review status: criteria provided, single submitter. Criteria: Invitae Variant Classification Sherloc (09022015). Collection method: clinical testing. Allele origin: germline.

Myriad Genetics, Inc.
Classification: Benign for Familial cancer of breast. Last evaluated: 2024-08-28. Review status: criteria provided, single submitter. Criteria: Myriad Autosomal Dominant, Autosomal Recessive and X-Linked Classification Criteria (2023). Collection method: clinical testing. Allele origin: unknown.
Comment: This variant is considered benign. This variant is a silent/synonymous amino acid change and it is not expected to impact splicing.

Ambry Genetics
Classification: Likely benign for Hereditary cancer-predisposing syndrome. Last evaluated: 2021-10-07. Review status: criteria provided, single submitter. Criteria: Ambry Variant Classification Scheme 2023. Collection method: clinical testing. Allele origin: germline.

NM_032043.3(BRIP1):c.1587A>T (p.Gly529=)

Gene: BRIP1 (BRCA1 interacting DNA helicase 1; minus strand). Cytogenetic location: 17q23.2.
Variant type: single nucleotide variant.
Coding change: c.1587A>T on transcript NM_032043.3 (MANE Select); coding-DNA position 1587, A replaced by T.
Protein change: p.Gly529=; no amino-acid change (glycine 529 retained).
Molecular consequence: synonymous variant.
Genome position (GRCh38, 1-based): chr17:61,784,311, T>A on the plus strand (A>T on the coding strand, the complement: BRIP1 is on the minus strand). VCF-style: chr17-61784311-T-A. GRCh37 (hg19) VCF-style: chr17-59861672-T-A.
Identifiers: ClinVar variation 1775818 (VCV001775818.4), dbSNP rs2145136606, ClinGen allele CA501150698.